The following is an entry in ClinVar:

ClinVar aggregate classification (germline): Likely pathogenic (1 of 4 stars; one submission).

Conditions:
Hypertrophic cardiomyopathy. Also called: HYPERTROPHIC MYOCARDIOPATHY. Identifiers: Orphanet 217569, MedGen C0007194, MeSH D002312, MONDO:0005045, HP:0001639.

Submission:

All of Us Research Program, National Institutes of Health
Classification: Likely pathogenic for Hypertrophic cardiomyopathy. Last evaluated: 2023-11-07. Review status: criteria provided, single submitter. Criteria: ACMG Guidelines, 2015. Collection method: clinical testing. Allele origin: germline. Inheritance: Autosomal dominant inheritance. Observed: 1 variant allele, 1 heterozygote.
Comment: The c.3190+1G>T variant of the MYBPC3 gene disrupts the splicing donor site in intron 29 and is expected to alter RNA splicing, leading to disrupted protein structure and function. Loss-of-function variants in MYBPC3 are known to be pathogenic (PMID: 19574547). This variant is absent in the general population by the gnomAD database. Based on these evidence, c.3190+1G>T variant of the MYBPC3 gene is classified as likely pathogenic.

This study involves interpretation of variants in research participants for the purpose of population health screening. Participant phenotype was not available at the time of variant classification. Additional details can be found in publication PMID: 35346344, PMCID: PMC8962531

Literature cited by the submitters: PubMed 19574547.

NM_000256.3(MYBPC3):c.3190+1G>T

Gene: MYBPC3 (myosin binding protein C3; minus strand). Cytogenetic location: 11p11.2.
Variant type: single nucleotide variant.
Coding change: c.3190+1G>T on transcript NM_000256.3 (MANE Select); the canonical splice donor site of the intron after coding-DNA position 3190, G replaced by T.
Molecular consequence: splice donor variant.
Genome position (GRCh38, 1-based): chr11:47,333,556, C>A on the plus strand (G>T on the coding strand, the complement: MYBPC3 is on the minus strand). VCF-style: chr11-47333556-C-A. GRCh37 (hg19) VCF-style: chr11-47355107-C-A.
Identifiers: ClinVar variation 3072403 (VCV003072403.1), dbSNP rs111683277, ClinGen allele CA380314598.